The following is an entry in ClinVar:

NM_000554.6(CRX):c.100+12C>T

Gene: CRX (cone-rod homeobox; plus strand). Cytogenetic location: 19q13.33.
Variant type: single nucleotide variant.
Coding change: c.100+12C>T on transcript NM_000554.6 (MANE Select); 12 bases into the intron after coding-DNA position 100, C replaced by T.
Molecular consequence: intron variant.
Genome position (GRCh38, 1-based): chr19:47,834,555, C>T. VCF-style: chr19-47834555-C-T. GRCh37 (hg19) VCF-style: chr19-48337812-C-T.
Identifiers: ClinVar variation 99592 (VCV000099592.18), dbSNP rs62128766, ClinGen allele CA227608.

ClinVar aggregate classification (germline): Benign. Review status: criteria provided, multiple submitters, no conflicts (2 of 4 stars). 8 submissions from 6 submitters: Benign (7). 1 of the submissions does not count toward it. Last evaluated 2026-02-03.

Conditions:
Cone-rod dystrophy 2 (CORD2). Also called: CONE-ROD RETINAL DYSTROPHY; Cone-rod retinal dystrophy 2. Identifiers: Orphanet 1872, MedGen C3489532, MONDO:0007362, OMIM 120970.
Leber congenital amaurosis 7 (LCA7). Identifiers: Orphanet 65, MedGen C3151192, MONDO:0013449, OMIM 613829.
Retinitis pigmentosa (RP). Identifiers: Orphanet 791, MedGen C0035334, MeSH D012174, MONDO:0019200, OMIM 268000. Inheritance: Autosomal dominant, autosomal recessive and X linked inheritance.

Allele frequency attached by ClinVar (database versions not stated): 1000 Genomes Project 0.08846; 1000 Genomes Project 30x 0.08994; TOPMed 0.13084; gnomAD 0.14001 and 0.14108; gnomAD exomes 0.14305 and 0.17319; ESP Exome Variant Server 0.14401; ExAC 0.14950.
gnomAD v4.1: 272,969 of 1,608,494 alleles (17%); highest among the groups gnomAD compares: Non-Finnish European, 19%; 24,648 homozygotes.

Submissions (8):

Labcorp Genetics (formerly Invitae), Labcorp
Classification: Benign for Cone-rod dystrophy 2; Leber congenital amaurosis 7. Last evaluated: 2026-02-03. Review status: criteria provided, single submitter. Criteria: Invitae Variant Classification Sherloc (09022015). Collection method: clinical testing. Allele origin: germline.

Illumina Laboratory Services, Illumina
Classification: Benign for Cone-rod dystrophy 2. Last evaluated: 2018-01-12. Review status: criteria provided, single submitter. Criteria: ICSL Variant Classification Criteria 13 December 2019. Collection method: clinical testing. Allele origin: germline.
Comment: This variant was observed in the ICSL laboratory as part of a predisposition screen in an ostensibly healthy population. It had not been previously curated by ICSL or reported in the Human Gene Mutation Database (HGMD: prior to June 1st, 2018), and was therefore a candidate for classification through an automated scoring system. Utilizing variant allele frequency, disease prevalence and penetrance estimates, and inheritance mode, an automated score was calculated to assess if this variant is too frequent to cause the disease. Based on the score and internal cut-off values, a variant classified as benign is not then subjected to further curation. The score for this variant resulted in a classification of benign for this disease.

Illumina Laboratory Services, Illumina
Classification: Benign for Leber congenital amaurosis 7. Last evaluated: 2018-01-12. Review status: criteria provided, single submitter. Criteria: ICSL Variant Classification Criteria 13 December 2019. Collection method: clinical testing. Allele origin: germline.
Comment: the same text as in the submission from Illumina Laboratory Services, Illumina above.

Illumina Laboratory Services, Illumina
Classification: Benign for Retinitis pigmentosa. Last evaluated: 2018-01-12. Review status: criteria provided, single submitter. Criteria: ICSL Variant Classification Criteria 13 December 2019. Collection method: clinical testing. Allele origin: germline.
Comment: the same text as in the submission from Illumina Laboratory Services, Illumina above.

GeneDx
Classification: Benign. Last evaluated: 2015-03-03. Review status: criteria provided, single submitter. Criteria: GeneDx Variant Classification Process June 2021. Collection method: clinical testing. Allele origin: germline. Affected: yes.

Breakthrough Genomics
Classification: Benign. Review status: criteria provided, single submitter. Criteria: ACMG Guidelines, 2015. Collection method: not provided. Allele origin: germline. Inheritance: Autosomal dominant inheritance. Affected: yes.

PreventionGenetics, part of Exact Sciences
Classification: Benign. Review status: criteria provided, single submitter. Criteria: ACMG Guidelines, 2015. Collection method: clinical testing. Allele origin: germline.

Retina International
No classification provided. Review status: no classification provided. Collection method: not provided. Allele origin: not provided. Not counted in ClinVar's aggregate classification.